The following is an entry in ClinVar:

ClinVar aggregate classification (germline): Uncertain significance (1 of 4 stars; one submission).

gnomAD v4.1: 1 of 1,614,096 alleles (0.000062%); highest among the groups gnomAD compares: South Asian, 0.0011%; no homozygotes.

Submission:

Ambry Genetics
Classification: Uncertain significance. Last evaluated: 2025-04-19. Review status: criteria provided, single submitter. Criteria: Ambry Variant Classification Scheme 2023. Collection method: clinical testing. Allele origin: germline.
Comment: The p.D134G variant (also known as c.401A>G), located in coding exon 4 of the SRP72 gene, results from an A to G substitution at nucleotide position 401. The aspartic acid at codon 134 is replaced by glycine, an amino acid with similar properties. This amino acid position is conserved. In addition, this alteration is predicted to be deleterious by in silico analysis. Based on the available evidence, the clinical significance of this variant remains unclear.

NM_006947.4(SRP72):c.401A>G (p.Asp134Gly)

Gene: SRP72 (signal recognition particle 72; plus strand). Cytogenetic location: 4q12.
Variant type: single nucleotide variant.
Coding change: c.401A>G on transcript NM_006947.4 (MANE Select); coding-DNA position 401, A replaced by G.
Protein change: p.Asp134Gly; replaces aspartic acid 134 with glycine.
Molecular consequence: missense variant. On other transcripts: non-coding transcript variant (1).
Genome position (GRCh38, 1-based): chr4:56,474,100, A>G. VCF-style: chr4-56474100-A-G. GRCh37 (hg19) VCF-style: chr4-57340266-A-G.
Other names: c.401A>G, p.Asp134Gly (NM_001267722.2); short protein forms D134G.
Identifiers: ClinVar variation 3962077 (VCV003962077.1).